The following is an entry in ClinVar:

ClinVar aggregate classification (germline): Uncertain significance. Review status: criteria provided, multiple submitters, no conflicts (2 of 4 stars). 2 submissions from 2 submitters: Uncertain significance (2). Last evaluated 2026-05-14.

Conditions:
Inborn genetic diseases. Identifiers: MedGen C0950123, MeSH D030342.
Baller-Gerold syndrome (BGS). Also called: CRANIOSYNOSTOSIS WITH RADIAL DEFECTS. Identifiers: Orphanet 1225, MedGen C0265308, MONDO:0009039, OMIM 218600.

Allele frequency attached by ClinVar (database versions not stated): TOPMed below 0.00001; ExAC 0.00002; gnomAD 0.00003.
gnomAD v4.1: 19 of 1,610,594 alleles (0.0012%); highest among the groups gnomAD compares: South Asian, 0.0044%; no homozygotes.

Submissions (2):

Ambry Genetics
Classification: Uncertain significance for Inborn genetic diseases. Last evaluated: 2026-05-14. Review status: criteria provided, single submitter. Criteria: Ambry Variant Classification Scheme 2023. Collection method: clinical testing. Allele origin: germline.
Comment: The p.R1106C variant (also known as c.3316C>T), located in coding exon 19 of the RECQL4 gene, results from a C to T substitution at nucleotide position 3316. The arginine at codon 1106 is replaced by cysteine, an amino acid with highly dissimilar properties. This amino acid position is conserved. Based on the available evidence, the clinical significance of this variant remains unclear.

Labcorp Genetics (formerly Invitae), Labcorp
Classification: Uncertain significance for Baller-Gerold syndrome. Last evaluated: 2024-12-17. Review status: criteria provided, single submitter. Criteria: Invitae Variant Classification Sherloc (09022015). Collection method: clinical testing. Allele origin: germline.
Comment: This sequence change replaces arginine, which is basic and polar, with cysteine, which is neutral and slightly polar, at codon 1106 of the RECQL4 protein (p.Arg1106Cys). This variant is present in population databases (rs770193726, gnomAD 0.007%). This variant has not been reported in the literature in individuals affected with RECQL4-related conditions. ClinVar contains an entry for this variant (Variation ID: 528979). Invitae Evidence Modeling of protein sequence and biophysical properties (such as structural, functional, and spatial information, amino acid conservation, physicochemical variation, residue mobility, and thermodynamic stability) indicates that this missense variant is not expected to disrupt RECQL4 protein function with a negative predictive value of 80%. In summary, the available evidence is currently insufficient to determine the role of this variant in disease. Therefore, it has been classified as a Variant of Uncertain Significance.

NM_004260.4(RECQL4):c.3316C>T (p.Arg1106Cys)

Gene: RECQL4 (RecQ like helicase 4; minus strand). Cytogenetic location: 8q24.3.
Variant type: single nucleotide variant.
Coding change: c.3316C>T on transcript NM_004260.4 (MANE Select); coding-DNA position 3316, C replaced by T.
Protein change: p.Arg1106Cys; replaces arginine 1106 with cysteine.
Molecular consequence: missense variant.
Genome position (GRCh38, 1-based): chr8:144,511,988, G>A on the plus strand (C>T on the coding strand, the complement: RECQL4 is on the minus strand). VCF-style: chr8-144511988-G-A. GRCh37 (hg19) VCF-style: chr8-145737371-G-A.
Other names: short protein forms R1106C.
Identifiers: ClinVar variation 528979 (VCV000528979.9), dbSNP rs770193726, ClinGen allele CA4947820.